The following is an entry in ClinVar:

ClinVar aggregate classification (germline): Uncertain significance. Review status: criteria provided, multiple submitters, no conflicts (2 of 4 stars). 2 submissions from 2 submitters: Uncertain significance (2). Last evaluated 2026-01-14.

Conditions:
Fanconi anemia complementation group P. Also called: SLX4-Related Fanconi Anemia. Identifiers: Orphanet 84, MedGen C3469542, MONDO:0013499, OMIM 613951.
Fanconi anemia (FA). Also called: Fanconi's anemia. Identifiers: Orphanet 84, MedGen C0015625, MeSH D005199, MONDO:0019391.

gnomAD v4.1: 1 of 1,613,998 alleles (0.000062%); highest among the groups gnomAD compares: Non-Finnish European, 0.000085%; no homozygotes.

Submissions (2):

Labcorp Genetics (formerly Invitae), Labcorp
Classification: Uncertain significance for Fanconi anemia. Last evaluated: 2026-01-14. Review status: criteria provided, single submitter. Criteria: Invitae Variant Classification Sherloc (09022015). Collection method: clinical testing. Allele origin: germline.
Comment: This sequence change replaces glycine, which is neutral and non-polar, with glutamic acid, which is acidic and polar, at codon 1220 of the SLX4 protein (p.Gly1220Glu). This variant is not present in population databases (gnomAD no frequency). This variant has not been reported in the literature in individuals affected with SLX4-related conditions. ClinVar contains an entry for this variant (Variation ID: 3580480). An algorithm developed to predict the effect of missense changes on protein structure and function outputs the following: PolyPhen-2: "Benign". The glutamic acid amino acid residue is found in multiple mammalian species, which suggests that this missense change does not adversely affect protein function. In summary, the available evidence is currently insufficient to determine the role of this variant in disease. Therefore, it has been classified as a Variant of Uncertain Significance.

Fulgent Genetics
Classification: Uncertain significance for Fanconi anemia complementation group P. Last evaluated: 2024-05-08. Review status: criteria provided, single submitter. Criteria: ACMG Guidelines, 2015. Collection method: clinical testing. Allele origin: germline.

NM_032444.4(SLX4):c.3659G>A (p.Gly1220Glu)

Gene: SLX4 (SLX4 structure-specific endonuclease subunit; minus strand). Cytogenetic location: 16p13.3.
Variant type: single nucleotide variant.
Coding change: c.3659G>A on transcript NM_032444.4 (MANE Select); coding-DNA position 3659, G replaced by A.
Protein change: p.Gly1220Glu; replaces glycine 1220 with glutamic acid.
Molecular consequence: missense variant.
Genome position (GRCh38, 1-based): chr16:3,589,979, C>T on the plus strand (G>A on the coding strand, the complement: SLX4 is on the minus strand). VCF-style: chr16-3589979-C-T. GRCh37 (hg19) VCF-style: chr16-3639980-C-T.
Other names: short protein forms G1220E.
Identifiers: ClinVar variation 3580480 (VCV003580480.2).